The following is an entry in ClinVar:

ClinVar aggregate classification (germline): Conflicting classifications of pathogenicity. Review status: criteria provided, conflicting classifications (1 of 4 stars). 8 submissions from 8 submitters: Uncertain significance (5); Likely benign (2). 1 of the submissions does not count toward it. Last evaluated 2026-06-16.

Conditions:
PDGFRA-related disorder. Also called: PDGFRA-related condition.
Polyps, multiple and recurrent inflammatory fibroid, gastrointestinal. Identifiers: MedGen C5193005, MONDO:0008285, OMIM 175510.
Idiopathic hypereosinophilic syndrome (HES). Identifiers: Orphanet 3260, MedGen C0206141, MONDO:0011895, OMIM 607685. Disease mechanism: gain of function.
Hereditary cancer-predisposing syndrome. Also called: Neoplastic Syndromes, Hereditary; Tumor predisposition; Hereditary Cancer Syndrome; Hereditary neoplastic syndrome. Identifiers: Orphanet 140162, MedGen C0027672, MeSH D009386, MONDO:0015356.
Gastrointestinal stromal tumor. Also called: Gastrointestinal stromal tumor, somatic; Gastrointestinal stroma tumor. Identifiers: Orphanet 44890, MedGen C0238198, MeSH D046152, MONDO:0011719, OMIM 606764, HP:0100723.

Allele frequency attached by ClinVar (database versions not stated): gnomAD 0.00002; ExAC 0.00003; gnomAD exomes 0.00003; TOPMed 0.00004.
gnomAD v4.1: 66 of 1,611,930 alleles (0.0041%); highest among the groups gnomAD compares: Non-Finnish European, 0.005%; no homozygotes.

Submissions (8):

Myriad Genetics, Inc.
Classification: Likely benign for Polyps, multiple and recurrent inflammatory fibroid, gastrointestinal. Last evaluated: 2026-06-16. Review status: criteria provided, single submitter. Criteria: Myriad Autosomal Dominant, Autosomal Recessive and X-Linked Classification Criteria (2023). Collection method: clinical testing. Allele origin: unknown.
Comment: This variant is considered likely benign. This variant has been observed at a population frequency that is significantly greater than expected given the associated disease prevalence and penetrance.

Labcorp Genetics (formerly Invitae), Labcorp
Classification: Uncertain significance for Gastrointestinal stromal tumor. Last evaluated: 2026-01-20. Review status: criteria provided, single submitter. Criteria: Invitae Variant Classification Sherloc (09022015). Collection method: clinical testing. Allele origin: germline.
Comment: This sequence change replaces arginine, which is basic and polar, with histidine, which is basic and polar, at codon 979 of the PDGFRA protein (p.Arg979His). This variant is present in population databases (rs587778598, gnomAD 0.006%). This variant has not been reported in the literature in individuals affected with PDGFRA-related conditions. ClinVar contains an entry for this variant (Variation ID: 135020). Invitae Evidence Modeling of protein sequence and biophysical properties (such as structural, functional, and spatial information, amino acid conservation, physicochemical variation, residue mobility, and thermodynamic stability) indicates that this missense variant is not expected to disrupt PDGFRA protein function with a negative predictive value of 80%. In summary, the available evidence is currently insufficient to determine the role of this variant in disease. Therefore, it has been classified as a Variant of Uncertain Significance.

PreventionGenetics, part of Exact Sciences
Classification: Uncertain significance for PDGFRA-related condition. Last evaluated: 2025-12-18. Review status: criteria provided, single submitter. Criteria: ACMG Guidelines, 2015. Collection method: clinical testing. Allele origin: germline.
Comment: The PDGFRA c.2936G>A variant is predicted to result in the amino acid substitution p.Arg979His. To our knowledge, this variant has not been reported in the literature in individuals with PDGFRA-related conditions. This variant is reported in 0.0053% of alleles in individuals of European (Non-Finnish) descent in gnomAD and has conflicting interpretations in ClinVar ranging from uncertain significance to likely benign (Variation ID: 135020). At this time, the clinical significance of this variant is uncertain due to the absence of conclusive functional and genetic evidence.

GeneDx
Classification: Uncertain significance. Last evaluated: 2024-07-11. Review status: criteria provided, single submitter. Criteria: GeneDx Variant Classification Process June 2021. Collection method: clinical testing. Allele origin: germline. Affected: yes.
Comment: In silico analysis supports that this missense variant has a deleterious effect on protein structure/function; Observed in healthy individuals undergoing whole genome sequencing (PMID: 24728327); This variant is associated with the following publications: (PMID: 24728327)

Fulgent Genetics
Classification: Uncertain significance for Polyps, multiple and recurrent inflammatory fibroid, gastrointestinal; Idiopathic hypereosinophilic syndrome. Last evaluated: 2024-06-13. Review status: criteria provided, single submitter. Criteria: ACMG Guidelines, 2015. Collection method: clinical testing. Allele origin: germline.

Baylor Genetics
Classification: Uncertain significance for Polyps, multiple and recurrent inflammatory fibroid, gastrointestinal. Last evaluated: 2023-10-09. Review status: criteria provided, single submitter. Criteria: ACMG Guidelines, 2015. Collection method: clinical testing. Allele origin: unknown.

Ambry Genetics
Classification: Likely benign for Hereditary cancer-predisposing syndrome. Last evaluated: 2019-12-20. Review status: criteria provided, single submitter. Criteria: Ambry Variant Classification Scheme 2023. Collection method: clinical testing. Allele origin: germline.

ITMI
No classification provided. Condition: AllHighlyPenetrant. Last evaluated: 2013-09-19. Review status: no classification provided. Collection method: reference population. Allele origin: germline. Not counted in ClinVar's aggregate classification.
Comment: Please see associated publication for description of ethnicities

Literature cited by the submitters: PubMed 24728327 (cited by ITMI).

NM_006206.6(PDGFRA):c.2936G>A (p.Arg979His)

Gene: PDGFRA (platelet derived growth factor receptor alpha; plus strand). Cytogenetic location: 4q12.
Variant type: single nucleotide variant.
Coding change: c.2936G>A on transcript NM_006206.6 (MANE Select); coding-DNA position 2936, G replaced by A.
Protein change: p.Arg979His; replaces arginine 979 with histidine.
Molecular consequence: missense variant.
Genome position (GRCh38, 1-based): chr4:54,290,368, G>A. VCF-style: chr4-54290368-G-A. GRCh37 (hg19) VCF-style: chr4-55156535-G-A.
Other names: c.2936G>A (NM_006206.5); c.3011G>A, p.Arg1004His (NM_001347828.2); c.2936G>A, p.Arg979His (NM_001347829.2); c.2975G>A, p.Arg992His (NM_001347830.2); short protein forms R979H, R1004H, R992H.
Identifiers: ClinVar variation 135020 (VCV000135020.20), dbSNP rs587778598, ClinGen allele CA161420.